The following is an entry in ClinVar:

NM_005045.4(RELN):c.7490+222T>G

Gene: RELN (reelin; minus strand). Cytogenetic location: 7q22.1.
Variant type: single nucleotide variant.
Coding change: c.7490+222T>G on transcript NM_005045.4 (MANE Select); 222 bases into the intron after coding-DNA position 7490, T replaced by G.
Molecular consequence: intron variant.
Genome position (GRCh38, 1-based): chr7:103,523,169, A>C on the plus strand (T>G on the coding strand, the complement: RELN is on the minus strand). VCF-style: chr7-103523169-A-C. GRCh37 (hg19) VCF-style: chr7-103163616-A-C.
Other names: c.7490+222T>G (NM_173054.3).
Identifiers: ClinVar variation 677569 (VCV000677569.1), dbSNP rs77294897, ClinGen allele CA163930341.

ClinVar aggregate classification (germline): Benign (1 of 4 stars; one submission).

Allele frequency attached by ClinVar (database versions not stated): gnomAD 0.03447 and 0.03712; 1000 Genomes Project 0.03734; TOPMed 0.03854; 1000 Genomes Project 30x 0.03919.
gnomAD v4.1: 5,194 of 152,308 alleles (3.4%); highest among the groups gnomAD compares: African/African-American, 12%; 310 homozygotes.

Submission:

GeneDx
Classification: Benign. Last evaluated: 2018-06-16. Review status: criteria provided, single submitter. Criteria: GeneDx Variant Classification (06012015). Collection method: clinical testing. Allele origin: germline. Affected: yes.
Comment: This variant is considered likely benign or benign based on one or more of the following criteria: it is a conservative change, it occurs at a poorly conserved position in the protein, it is predicted to be benign by multiple in silico algorithms, and/or has population frequency not consistent with disease.